The following is an entry in ClinVar:

NM_000552.5(VWF):c.4173A>G (p.Gln1391=)

Gene: VWF (von Willebrand factor; minus strand). Cytogenetic location: 12p13.31.
Variant type: single nucleotide variant.
Coding change: c.4173A>G on transcript NM_000552.5 (MANE Select); coding-DNA position 4173, A replaced by G.
Protein change: p.Gln1391=; no amino-acid change (glutamine 1391 retained).
Molecular consequence: synonymous variant.
Genome position (GRCh38, 1-based): chr12:6,019,245, T>C on the plus strand (A>G on the coding strand, the complement: VWF is on the minus strand). VCF-style: chr12-6019245-T-C. GRCh37 (hg19) VCF-style: chr12-6128411-T-C.
Identifiers: ClinVar variation 801305 (VCV000801305.41), dbSNP rs145009516, ClinGen allele CA6402586.

ClinVar aggregate classification (germline): Likely benign. Review status: criteria provided, multiple submitters, no conflicts (2 of 4 stars). 5 submissions from 5 submitters: Likely benign (5). Last evaluated 2026-08-01.

Allele frequency attached by ClinVar (database versions not stated): ESP Exome Variant Server 0.00023; TOPMed 0.00035; gnomAD exomes 0.00037 and 0.00039; gnomAD 0.00038 and 0.00039; ExAC 0.00044.
gnomAD v4.1: 628 of 1,613,808 alleles (0.039%); highest among the groups gnomAD compares: Non-Finnish European, 0.047%; no homozygotes.

Submissions (5):

CeGaT Center for Human Genetics Tuebingen
Classification: Likely benign. Last evaluated: 2026-08-01. Review status: criteria provided, single submitter. Criteria: CeGaT Center For Human Genetics Tuebingen Variant Classification Criteria Version 2. Collection method: clinical testing. Allele origin: germline. Affected: yes. Observed: 3 variant alleles.
Comment: VWF: BP4, BP7

Laboratory of Genetics, Children's Clinical University Hospital Latvia
Classification: Likely benign. Last evaluated: 2025-02-16. Review status: criteria provided, single submitter. Criteria: ACMG Guidelines, 2015. Collection method: clinical testing. Allele origin: germline. Affected: yes.

Blueprint Genetics
Classification: Likely benign. Last evaluated: 2024-11-13. Review status: criteria provided, single submitter. Criteria: ACMG Guidelines, 2015. Collection method: clinical testing. Allele origin: germline.

Women's Health and Genetics/Laboratory Corporation of America, LabCorp
Classification: Likely benign. Last evaluated: 2024-07-01. Review status: criteria provided, single submitter. Criteria: LabCorp Variant Classification Summary - May 2015. Collection method: clinical testing. Allele origin: germline.

Quest Diagnostics Nichols Institute San Juan Capistrano
Classification: Likely benign. Last evaluated: 2019-05-02. Review status: criteria provided, single submitter. Criteria: Quest Diagnostics criteria. Collection method: clinical testing. Allele origin: germline.